The following is an entry in ClinVar:

ClinVar aggregate classification (germline): Likely benign (0 of 4 stars; one submission).

Conditions:
GRB10-related disorder. Also called: GRB10-related condition.

Allele frequency attached by ClinVar (database versions not stated): 1000 Genomes Project 0.00020; TOPMed 0.00031; gnomAD 0.00043; 1000 Genomes Project 30x 0.00047; ESP Exome Variant Server 0.00049; gnomAD exomes 0.00058; ExAC 0.00087.
gnomAD v4.1: 900 of 1,613,636 alleles (0.056%); highest among the groups gnomAD compares: South Asian, 0.21%; 3 homozygotes.

Submission:

PreventionGenetics, part of Exact Sciences
Classification: Likely benign for GRB10-related condition. Last evaluated: 2022-04-06. Review status: no assertion criteria provided. Collection method: clinical testing. Allele origin: germline.
Comment: This variant is classified as likely benign based on ACMG/AMP sequence variant interpretation guidelines (Richards et al. 2015 PMID: 25741868, with internal and published modifications).

NM_001350814.2(GRB10):c.1525C>G (p.Gln509Glu)

Gene: GRB10 (growth factor receptor bound protein 10; minus strand). Cytogenetic location: 7p12.1.
Variant type: single nucleotide variant.
Coding change: c.1525C>G on transcript NM_001350814.2 (MANE Select); coding-DNA position 1525, C replaced by G.
Protein change: p.Gln509Glu; replaces glutamine 509 with glutamic acid.
Molecular consequence: missense variant.
Genome position (GRCh38, 1-based): chr7:50,604,017, G>C on the plus strand (C>G on the coding strand, the complement: GRB10 is on the minus strand). VCF-style: chr7-50604017-G-C. GRCh37 (hg19) VCF-style: chr7-50671714-G-C.
Other names: c.1387C>G, p.Gln463Glu (NM_001001549.3); c.1351C>G, p.Gln451Glu (NM_001001550.3, NM_001001555.3, NM_001350816.3 and 1 more transcripts); c.1639C>G, p.Gln547Glu (NM_001350815.2); c.1672C>G, p.Gln558Glu (NM_001371009.1); short protein forms Q451E, Q463E, Q509E, Q547E, Q558E.
Identifiers: ClinVar variation 3043075 (VCV003043075.2), dbSNP rs201369855, ClinGen allele CA4262598.